The following is an entry in ClinVar:

NM_000521.4(HEXB):c.1389C>G (p.Tyr463Ter)

Gene: HEXB (hexosaminidase subunit beta; plus strand). Cytogenetic location: 5q13.3.
Variant type: single nucleotide variant.
Coding change: c.1389C>G on transcript NM_000521.4 (MANE Select); coding-DNA position 1389, C replaced by G.
Protein change: p.Tyr463Ter; replaces tyrosine 463 with a stop codon.
Molecular consequence: nonsense.
Genome position (GRCh38, 1-based): chr5:74,718,943, C>G. VCF-style: chr5-74718943-C-G. GRCh37 (hg19) VCF-style: chr5-74014768-C-G.
Other names: c.714C>G, p.Tyr238Ter (NM_001292004.2); short protein forms Y463*, Y238*.
Identifiers: ClinVar variation 557658 (VCV000557658.11), dbSNP rs1554036943, ClinGen allele CA360070494.

ClinVar aggregate classification (germline): Pathogenic. Review status: criteria provided, single submitter (1 of 4 stars). 2 submissions from 2 submitters: Pathogenic (1). 1 of the submissions does not count toward it. Last evaluated 2019-02-01.

Conditions:
Sandhoff disease. Also called: GM2-GANGLIOSIDOSIS, TYPE II; HEXOSAMINIDASES A AND B DEFICIENCY; Beta-hexosaminidase-beta-subunit deficiency; GM2 gangliosidosis, type 2; Total hexosaminidase deficiency; Sandhoff-Jatzkewitz-Pilz disease. Identifiers: Orphanet 796, MedGen C0036161, MONDO:0010006, OMIM 268800.

gnomAD v4.1: 1 of 1,614,090 alleles (0.000062%); highest among the groups gnomAD compares: Non-Finnish European, 0.000085%; no homozygotes.

Submissions (2):

Labcorp Genetics (formerly Invitae), Labcorp
Classification: Pathogenic for Sandhoff disease. Last evaluated: 2019-02-01. Review status: criteria provided, single submitter. Criteria: Invitae Variant Classification Sherloc (09022015). Collection method: clinical testing. Allele origin: germline.
Comment: For these reasons, this variant has been classified as Pathogenic. Loss-of-function variants in HEXB are known to be pathogenic (PMID: 7550345, 18758829). This variant has been observed in an individual affected with Sandhoff disease (PMID: 27021291). ClinVar contains an entry for this variant (Variation ID: 557658). This variant is not present in population databases (ExAC no frequency). This sequence change creates a premature translational stop signal (p.Tyr463*) in the HEXB gene. It is expected to result in an absent or disrupted protein product.

Counsyl
Classification: Likely pathogenic for Sandhoff disease. Last evaluated: 2018-04-03. Review status: no assertion criteria provided. Collection method: clinical testing. Allele origin: unknown. Not counted in ClinVar's aggregate classification.

Literature cited by the submitters: PubMed 7550345 (cited by Labcorp Genetics (formerly Invitae), Labcorp); PubMed 18758829 (cited by Labcorp Genetics (formerly Invitae), Labcorp); PubMed 27021291 (cited by Labcorp Genetics (formerly Invitae), Labcorp and Counsyl).